The following is an entry in ClinVar:

ClinVar aggregate classification (germline): Likely benign. Review status: criteria provided, single submitter (1 of 4 stars). 2 submissions from 2 submitters: Likely benign (1). 1 of the submissions does not count toward it. Last evaluated 2025-10-04.

Conditions:
PLTP-related disorder. Also called: PLTP-related condition.

Allele frequency attached by ClinVar (database versions not stated): ExAC 0.00020; ESP Exome Variant Server 0.00023; gnomAD 0.00010; TOPMed 0.00019.
gnomAD v4.1: 226 of 1,614,154 alleles (0.014%); highest among the groups gnomAD compares: Admixed American, 0.083%; no homozygotes.

Submissions (2):

Labcorp Genetics (formerly Invitae), Labcorp
Classification: Likely benign. Last evaluated: 2025-10-04. Review status: criteria provided, single submitter. Criteria: Invitae Variant Classification Sherloc (09022015). Collection method: clinical testing. Allele origin: germline.

PreventionGenetics, part of Exact Sciences
Classification: Likely benign for PLTP-related condition. Last evaluated: 2019-11-27. Review status: no assertion criteria provided. Collection method: clinical testing. Allele origin: germline. Not counted in ClinVar's aggregate classification.
Comment: This variant is classified as likely benign based on ACMG/AMP sequence variant interpretation guidelines (Richards et al. 2015 PMID: 25741868, with internal and published modifications).

NM_006227.4(PLTP):c.849G>A (p.Ala283=)

Gene: PLTP (phospholipid transfer protein; minus strand). Cytogenetic location: 20q13.12.
Variant type: single nucleotide variant.
Coding change: c.849G>A on transcript NM_006227.4 (MANE Select); coding-DNA position 849, G replaced by A.
Protein change: p.Ala283=; no amino-acid change (alanine 283 retained).
Molecular consequence: synonymous variant.
Genome position (GRCh38, 1-based): chr20:45,904,975, C>T on the plus strand (G>A on the coding strand, the complement: PLTP is on the minus strand). VCF-style: chr20-45904975-C-T. GRCh37 (hg19) VCF-style: chr20-44533614-C-T.
Other names: c.564G>A, p.Ala188= (NM_001242920.2); c.585G>A, p.Ala195= (NM_001242921.1); c.693G>A, p.Ala231= (NM_182676.3).
Identifiers: ClinVar variation 3048679 (VCV003048679.4), dbSNP rs61731059, ClinGen allele CA9883704.